The following is an entry in ClinVar:

ClinVar aggregate classification (germline): Uncertain significance. Review status: criteria provided, multiple submitters, no conflicts (2 of 4 stars). 3 submissions from 3 submitters: Uncertain significance (3). Last evaluated 2023-03-24.

Conditions:
TTN-related disorder. Also called: TTN-related disorders; TTN-related condition; TTN-related disease.
Autosomal recessive limb-girdle muscular dystrophy type 2J (LGMDR10). Also called: Limb-girdle muscular dystrophy, type 2J; MUSCULAR DYSTROPHY, LIMB-GIRDLE, AUTOSOMAL RECESSIVE 10. Identifiers: Orphanet 140922, MedGen C1837342, MONDO:0012127, OMIM 608807.
Dilated cardiomyopathy 1G (CMD1G). Identifiers: Orphanet 154, MedGen C1858763, MONDO:0011400, OMIM 604145.

Allele frequency attached by ClinVar (database versions not stated): TOPMed 0.00001; gnomAD 0.00003; gnomAD exomes 0.00003 and 0.00005.
gnomAD v4.1: 21 of 1,613,696 alleles (0.0013%); highest among the groups gnomAD compares: Admixed American, 0.032%; no homozygotes.

Submissions (3):

PreventionGenetics, part of Exact Sciences
Classification: Uncertain significance for TTN-related condition. Last evaluated: 2023-03-24. Review status: criteria provided, single submitter. Criteria: ACMG Guidelines, 2015. Collection method: clinical testing. Allele origin: germline.
Comment: The TTN c.93242C>T variant is predicted to result in the amino acid substitution p.Ala31081Val. To our knowledge, this variant has not been reported in the literature. This variant is reported in 0.032% of alleles in individuals of Latino descent in gnomAD. At this time, the clinical significance of this variant is uncertain due to the absence of conclusive functional and genetic evidence.

Revvity Omics, Revvity
Classification: Uncertain significance. Last evaluated: 2020-10-22. Review status: criteria provided, single submitter. Criteria: ACMG Guidelines, 2015. Collection method: clinical testing. Allele origin: germline.

Labcorp Genetics (formerly Invitae), Labcorp
Classification: Uncertain significance for Dilated cardiomyopathy 1G; Autosomal recessive limb-girdle muscular dystrophy type 2J. Last evaluated: 2017-09-28. Review status: criteria provided, single submitter. Criteria: Invitae Variant Classification Sherloc (09022015). Collection method: clinical testing. Allele origin: germline.

NM_001267550.2(TTN):c.93242C>T (p.Ala31081Val)

Genes: TTN (titin; minus strand), TTN-AS1 (TTN antisense RNA 1; plus strand). Cytogenetic location: 2q31.2.
Variant type: single nucleotide variant.
Coding change: c.93242C>T on transcript NM_001267550.2 (MANE Select); coding-DNA position 93242, C replaced by T.
Protein change: p.Ala31081Val; replaces alanine 31081 with valine.
Molecular consequence: missense variant.
Genome position (GRCh38, 1-based): chr2:178,548,384, G>A on the plus strand (C>T on the coding strand, the complement: TTN is on the minus strand). VCF-style: chr2-178548384-G-A. GRCh37 (hg19) VCF-style: chr2-179413111-G-A.
Other names: c.88319C>T, p.Ala29440Val (NM_001256850.1); c.66047C>T, p.Ala22016Val (NM_003319.4); c.85538C>T, p.Ala28513Val (NM_133378.4); c.66422C>T, p.Ala22141Val (NM_133432.3); c.66623C>T, p.Ala22208Val (NM_133437.4); short protein forms A31081V, A22208V, A22016V, A22141V, A28513V, A29440V.
Identifiers: ClinVar variation 535468 (VCV000535468.7), dbSNP rs1032232850, ClinGen allele CA60973906.